The following is an entry in ClinVar:

ClinVar aggregate classification (germline): Benign/Likely benign. Review status: criteria provided, multiple submitters, no conflicts (2 of 4 stars). 2 submissions from 2 submitters: Benign (1); Likely benign (1). Last evaluated 2025-09-03.

Conditions:
Congenital sensory neuropathy with selective loss of small myelinated fibers (HSAN5). Also called: HSAN Type V. Identifiers: Orphanet 64752, MedGen C0020075, MONDO:0012092, OMIM 608654.
NGF-related disorder. Also called: NGF-related condition.

Allele frequency attached by ClinVar (database versions not stated): gnomAD exomes 0.00003 and 0.00024; gnomAD 0.00006 and 0.00007; TOPMed 0.00007; ExAC 0.00026; 1000 Genomes Project 0.00040; 1000 Genomes Project 30x 0.00047.
gnomAD v4.1: 49 of 1,614,202 alleles (0.003%); highest among the groups gnomAD compares: East Asian, 0.11%; no homozygotes.

Submissions (2):

PreventionGenetics, part of Exact Sciences
Classification: Likely benign for NGF-related condition. Last evaluated: 2025-09-03. Review status: criteria provided, single submitter. Criteria: ACMG Guidelines, 2015. Collection method: clinical testing. Allele origin: germline.
Comment: This variant is classified as likely benign based on ACMG/AMP sequence variant interpretation guidelines (Richards et al. 2015 PMID: 25741868, with internal and published modifications).

Labcorp Genetics (formerly Invitae), Labcorp
Classification: Benign for Congenital sensory neuropathy with selective loss of small myelinated fibers. Last evaluated: 2024-09-27. Review status: criteria provided, single submitter. Criteria: Invitae Variant Classification Sherloc (09022015). Collection method: clinical testing. Allele origin: germline.

NM_002506.3(NGF):c.276G>A (p.Gln92=)

Genes: NGF (nerve growth factor; minus strand), NGF-AS1 (NGF antisense RNA 1; plus strand). Cytogenetic location: 1p13.2.
Variant type: single nucleotide variant.
Coding change: c.276G>A on transcript NM_002506.3 (MANE Select); coding-DNA position 276, G replaced by A.
Protein change: p.Gln92=; no amino-acid change (glutamine 92 retained).
Molecular consequence: synonymous variant.
Genome position (GRCh38, 1-based): chr1:115,286,520, C>T on the plus strand (G>A on the coding strand, the complement: NGF is on the minus strand). VCF-style: chr1-115286520-C-T. GRCh37 (hg19) VCF-style: chr1-115829141-C-T.
Other names: c.276G>A (NM_002506.2).
Identifiers: ClinVar variation 1667514 (VCV001667514.9), dbSNP rs202060337, ClinGen allele CA1023003.
Genomic context (GRCh38, chr1:115,286,520, plus strand): 5'-GGGGGCAGCACCACCGACCTCGAAGTCCAGATCCTGAGTGTCTGCAGCTTCACGGGGAGG[C>T]TGGGTGCTAAACAGCACACGGGGTGAACGGAGTCGCCGCTTTTTAAACAGCCTGGGGTCC-3'
Protein context (NP_002497.2, residues 82-102): LRSPRVLFST[Gln92=]PPREAADTQD